The following is an entry in ClinVar:

ClinVar aggregate classification (germline): Uncertain significance (1 of 4 stars; one submission).

Conditions:
Heterotaxy, visceral, 5, autosomal (HTX5). Also called: Heterotaxy, visceral, 5. Identifiers: Orphanet 450, MedGen C3495537, MONDO:0700112, OMIM 270100.

gnomAD v4.1: 6 of 1,613,908 alleles (0.00037%); highest among the groups gnomAD compares: South Asian, 0.0011%; no homozygotes.

Submission:

Labcorp Genetics (formerly Invitae), Labcorp
Classification: Uncertain significance for Heterotaxy, visceral, 5, autosomal. Last evaluated: 2025-07-30. Review status: criteria provided, single submitter. Criteria: Invitae Variant Classification Sherloc (09022015). Collection method: clinical testing. Allele origin: germline.
Comment: This sequence change replaces isoleucine, which is neutral and non-polar, with threonine, which is neutral and polar, at codon 113 of the NODAL protein (p.Ile113Thr). This variant is present in population databases (no rsID available, gnomAD 0.002%). This variant has not been reported in the literature in individuals affected with NODAL-related conditions. Invitae Evidence Modeling of protein sequence and biophysical properties (such as structural, functional, and spatial information, amino acid conservation, physicochemical variation, residue mobility, and thermodynamic stability) indicates that this missense variant is not expected to disrupt NODAL protein function with a negative predictive value of 80%. In summary, the available evidence is currently insufficient to determine the role of this variant in disease. Therefore, it has been classified as a Variant of Uncertain Significance.

NM_018055.5(NODAL):c.338T>C (p.Ile113Thr)

Gene: NODAL (nodal growth differentiation factor; minus strand). Cytogenetic location: 10q22.1.
Variant type: single nucleotide variant.
Coding change: c.338T>C on transcript NM_018055.5 (MANE Select); coding-DNA position 338, T replaced by C.
Protein change: p.Ile113Thr; replaces isoleucine 113 with threonine.
Molecular consequence: missense variant. On other transcripts: 5 prime UTR variant (1).
Genome position (GRCh38, 1-based): chr10:70,435,839, A>G on the plus strand (T>C on the coding strand, the complement: NODAL is on the minus strand). VCF-style: chr10-70435839-A-G. GRCh37 (hg19) VCF-style: chr10-72195595-A-G.
Other names: c.-62T>C (NM_001329906.2); short protein forms I113T.
Identifiers: ClinVar variation 4716382 (VCV004716382.1).